The following is an entry in ClinVar:

ClinVar aggregate classification (germline): Pathogenic. Review status: criteria provided, multiple submitters, no conflicts (2 of 4 stars). 2 submissions from 2 submitters: Pathogenic (2). Last evaluated 2025-07-29.

Conditions:
Polycystic kidney disease, adult type (PKD1). Also called: Polycystic Kidney, Autosomal Dominant; POLYCYSTIC KIDNEY DISEASE, ADULT, TYPE I; Polycystic Kidney Disease 1, Autosomal Dominant; Polycystic kidney disease 1; Polycystic kidney disease 1, severe; POLYCYSTIC KIDNEY DISEASE 1 WITH OR WITHOUT POLYCYSTIC LIVER DISEASE. Identifiers: MedGen C3149841, MONDO:0008263, OMIM 173900.

Submissions (2):

Victorian Clinical Genetics Services, Murdoch Childrens Research Institute
Classification: Pathogenic for Polycystic kidney disease, adult type. Last evaluated: 2025-07-29. Review status: criteria provided, single submitter. Criteria: ACMG Guidelines, 2015. Collection method: clinical testing. Allele origin: germline. Affected: yes.
Comment: This variant is classified as Pathogenic. Evidence in support of pathogenic classification: Variant is predicted to cause nonsense-mediated decay (NMD) and loss of protein (premature termination codon is located at least 54 nucleotides upstream of the final exon-exon junction); Variant is absent from gnomAD (v2, v3 and v4); Other NMD-predicted variant(s) comparable to the one identified in this case have very strong previous evidence for pathogenicity (DECIPHER). Additional information: This variant is heterozygous; This gene is associated with autosomal dominant disease. Polycystic kidney disease 1 (MIM#173900) is predominantly caused by monoallelic variants, with rare reports of biallelic variants causing disease (OMIM); Loss of function is a known mechanism of disease in this gene and is associated with polycystic kidney disease 1 (MIM#173900).

MVZ Martinsried, Medicover Genetics
Classification: Pathogenic for Polycystic kidney disease, adult type. Last evaluated: 2025-01-30. Review status: criteria provided, single submitter. Criteria: ACGS Guidelines, 2020. Collection method: clinical testing. Allele origin: unknown. Observed: 1 heterozygote.

NM_001009944.3(PKD1):c.6791C>G (p.Ser2264Ter)

Gene: PKD1 (polycystin 1, transient receptor potential channel interacting; minus strand). Cytogenetic location: 16p13.3.
Variant type: single nucleotide variant.
Coding change: c.6791C>G on transcript NM_001009944.3 (MANE Select); coding-DNA position 6791, C replaced by G.
Protein change: p.Ser2264Ter; replaces serine 2264 with a stop codon.
Molecular consequence: nonsense.
Genome position (GRCh38, 1-based): chr16:2,108,376, G>C on the plus strand (C>G on the coding strand, the complement: PKD1 is on the minus strand). VCF-style: chr16-2108376-G-C. GRCh37 (hg19) VCF-style: chr16-2158377-G-C.
Other names: c.6791C>G, p.Ser2264Ter (NM_000296.4); short protein forms S2264*.
Identifiers: ClinVar variation 4531561 (VCV004531561.2).